The following is an entry in ClinVar:

NM_015909.4(NBAS):c.5508G>T (p.Lys1836Asn)

Gene: NBAS (NBAS subunit of NRZ tethering complex; minus strand). Cytogenetic location: 2p24.3.
Variant type: single nucleotide variant.
Coding change: c.5508G>T on transcript NM_015909.4 (MANE Select); coding-DNA position 5508, G replaced by T.
Protein change: p.Lys1836Asn; replaces lysine 1836 with asparagine.
Molecular consequence: missense variant. On other transcripts: non-coding transcript variant (1).
Genome position (GRCh38, 1-based): chr2:15,275,700, C>A on the plus strand (G>T on the coding strand, the complement: NBAS is on the minus strand). VCF-style: chr2-15275700-C-A. GRCh37 (hg19) VCF-style: chr2-15415824-C-A.
Other names: c.5508G>T (NM_015909.2); short protein forms K1836N.
Identifiers: ClinVar variation 2195183 (VCV002195183.5), dbSNP rs763472560, ClinGen allele CA1535279.

ClinVar aggregate classification (germline): Conflicting classifications of pathogenicity. Review status: criteria provided, conflicting classifications (1 of 4 stars). 2 submissions from 2 submitters: Uncertain significance (1); Likely benign (1). Last evaluated 2025-10-28.

Conditions:
Inborn genetic diseases. Identifiers: MedGen C0950123, MeSH D030342.

Allele frequency attached by ClinVar (database versions not stated): gnomAD exomes 0.00001; ExAC 0.00002; gnomAD 0.00003; TOPMed 0.00004.
gnomAD v4.1: 15 of 1,614,038 alleles (0.00093%); highest among the groups gnomAD compares: African/African-American, 0.013%; no homozygotes.

Submissions (2):

Ambry Genetics
Classification: Uncertain significance for Inborn genetic diseases. Last evaluated: 2025-10-28. Review status: criteria provided, single submitter. Criteria: Ambry Variant Classification Scheme 2023. Collection method: clinical testing. Allele origin: germline.
Comment: The c.5508G>T (p.K1836N) alteration is located in exon 44 (coding exon 44) of the NBAS gene. This alteration results from a G to T substitution at nucleotide position 5508, causing the lysine (K) at amino acid position 1836 to be replaced by an asparagine (N). Based on data from gnomAD, the T allele has an overall frequency of 0.002% (4/250932) total alleles studied. The highest observed frequency was 0.019% (3/16246) of African alleles. Based on insufficient or conflicting evidence, the clinical significance of this alteration remains unclear.

Labcorp Genetics (formerly Invitae), Labcorp
Classification: Likely benign. Last evaluated: 2025-03-10. Review status: criteria provided, single submitter. Criteria: Invitae Variant Classification Sherloc (09022015). Collection method: clinical testing. Allele origin: germline.